The following is an entry in ClinVar:

ClinVar aggregate classification (germline): Benign/Likely benign. Review status: criteria provided, multiple submitters, no conflicts (2 of 4 stars). 25 submissions from 18 submitters: Benign (17); Likely benign (5). 3 of the submissions do not count toward it. Last evaluated 2026-02-03.

Conditions:
Dilated cardiomyopathy 1G (CMD1G). Identifiers: Orphanet 154, MedGen C1858763, MONDO:0011400, OMIM 604145.
Autosomal recessive limb-girdle muscular dystrophy type 2J (LGMDR10). Also called: MUSCULAR DYSTROPHY, LIMB-GIRDLE, AUTOSOMAL RECESSIVE 10; Limb-girdle muscular dystrophy, type 2J. Identifiers: Orphanet 140922, MedGen C1837342, MONDO:0012127, OMIM 608807.
Cardiovascular phenotype. Identifiers: MedGen CN230736.
Cardiomyopathy (CMYO). Also called: Cardiomyopathies. Identifiers: Orphanet 167848, MedGen C0878544, MONDO:0004994, HP:0001638. Inheritance: Various modes of inheritance.
Early-onset myopathy with fatal cardiomyopathy (CMYO5). Also called: CONGENITAL MYOPATHY 5 WITH CARDIOMYOPATHY; Salih Myopathy. Identifiers: Orphanet 289377, MedGen C2673677, MONDO:0012714, OMIM 611705. Disease mechanism: loss of function.
Myopathy, myofibrillar, 9, with early respiratory failure (MFM9). Also called: Myopathy, distal, with early respiratory failure, autosomal dominant; Hereditary myopathy with early respiratory failure; MYOPATHY, PROXIMAL, WITH EARLY RESPIRATORY MUSCLE INVOLVEMENT; EDSTROM MYOPATHY. Identifiers: Orphanet 178464, Orphanet 34521, MedGen C1863599, MONDO:0011362, OMIM 603689.
Tibial muscular dystrophy (TMD). Also called: Udd Distal Myopathy – Tibial Muscular Dystrophy; Tibial muscular dystrophy, tardive; UDD MYOPATHY. Identifiers: Orphanet 609, MedGen C1838244, MONDO:0010870, OMIM 600334.

Allele frequency attached by ClinVar (database versions not stated): gnomAD exomes 0.00162 and 0.00061; 1000 Genomes Project 30x 0.00640; 1000 Genomes Project 0.00659; ESP Exome Variant Server 0.00665; gnomAD 0.00667 and 0.00610; ExAC 0.00192; TOPMed 0.00726.
gnomAD v4.1: 1,864 of 1,612,772 alleles (0.12%); highest among the groups gnomAD compares: African/African-American, 2.2%; 22 homozygotes.

Submissions (25):

Labcorp Genetics (formerly Invitae), Labcorp
Classification: Benign for Dilated cardiomyopathy 1G; Autosomal recessive limb-girdle muscular dystrophy type 2J. Last evaluated: 2026-02-03. Review status: criteria provided, single submitter. Criteria: Invitae Variant Classification Sherloc (09022015). Collection method: clinical testing. Allele origin: germline.

Molecular Diagnostic Laboratory for Inherited Cardiovascular Disease, Montreal Heart Institute
Classification: Benign. Last evaluated: 2025-04-09. Review status: criteria provided, single submitter. Criteria: ACMG Guidelines, 2015. Collection method: clinical testing. Allele origin: germline. Affected: no.

ARUP Laboratories, Molecular Genetics and Genomics, ARUP Laboratories
Classification: Benign. Last evaluated: 2025-03-25. Review status: criteria provided, single submitter. Criteria: ARUP Molecular Germline Variant Investigation Process 2024. Collection method: clinical testing. Allele origin: germline.

Blueprint Genetics
Classification: Likely benign. Last evaluated: 2024-11-25. Review status: criteria provided, single submitter. Criteria: ACMG Guidelines, 2015. Collection method: clinical testing. Allele origin: germline.

Mayo Clinic Laboratories, Mayo Clinic
Classification: Benign. Last evaluated: 2023-02-13. Review status: criteria provided, single submitter. Criteria: ACMG Guidelines, 2015. Collection method: clinical testing. Allele origin: germline. Observed: 17 variant alleles.
Comment: BS1, BS2, BP4, BP7

Genome-Nilou Lab
Classification: Benign for Autosomal recessive limb-girdle muscular dystrophy type 2J. Last evaluated: 2021-09-10. Review status: criteria provided, single submitter. Criteria: ACMG Guidelines, 2015. Collection method: clinical testing. Allele origin: germline. Affected: no.

Genome-Nilou Lab
Classification: Benign for Myopathy, myofibrillar, 9, with early respiratory failure. Last evaluated: 2021-09-10. Review status: criteria provided, single submitter. Criteria: ACMG Guidelines, 2015. Collection method: clinical testing. Allele origin: germline. Affected: no.

Genome-Nilou Lab
Classification: Benign for Early-onset myopathy with fatal cardiomyopathy. Last evaluated: 2021-09-10. Review status: criteria provided, single submitter. Criteria: ACMG Guidelines, 2015. Collection method: clinical testing. Allele origin: germline. Affected: no.

Genome-Nilou Lab
Classification: Benign for Tibial muscular dystrophy. Last evaluated: 2021-09-10. Review status: criteria provided, single submitter. Criteria: ACMG Guidelines, 2015. Collection method: clinical testing. Allele origin: germline. Affected: no.

Women's Health and Genetics/Laboratory Corporation of America, LabCorp
Classification: Benign. Last evaluated: 2021-02-28. Review status: criteria provided, single submitter. Criteria: LabCorp Variant Classification Summary - May 2015. Collection method: clinical testing. Allele origin: germline.

Athena Diagnostics
Classification: Benign. Last evaluated: 2020-11-09. Review status: criteria provided, single submitter. Criteria: Athena Diagnostics criteria. Collection method: clinical testing. Allele origin: unknown.

Illumina Laboratory Services, Illumina
Classification: Likely benign for Early-onset myopathy with fatal cardiomyopathy. Last evaluated: 2018-01-13. Review status: criteria provided, single submitter. Criteria: ICSL Variant Classification Criteria 13 December 2019. Collection method: clinical testing. Allele origin: germline.
Comment: This variant was observed in the ICSL laboratory as part of a predisposition screen in an ostensibly healthy population. It had not been previously curated by ICSL or reported in the Human Gene Mutation Database (HGMD: prior to June 1st, 2018), and was therefore a candidate for classification through an automated scoring system. Utilizing variant allele frequency, disease prevalence and penetrance estimates, and inheritance mode, an automated score was calculated to assess if this variant is too frequent to cause the disease. Based on the score and internal cut-off values, a variant classified as likely benign is not then subjected to further curation. The score for this variant resulted in a classification of likely benign for this disease.

Illumina Laboratory Services, Illumina
Classification: Likely benign for Autosomal recessive limb-girdle muscular dystrophy type 2J. Last evaluated: 2018-01-13. Review status: criteria provided, single submitter. Criteria: ICSL Variant Classification Criteria 13 December 2019. Collection method: clinical testing. Allele origin: germline.
Comment: the same text as in the submission from Illumina Laboratory Services, Illumina above.

Illumina Laboratory Services, Illumina
Classification: Likely benign for Dilated cardiomyopathy 1G. Last evaluated: 2018-01-13. Review status: criteria provided, single submitter. Criteria: ICSL Variant Classification Criteria 13 December 2019. Collection method: clinical testing. Allele origin: germline.
Comment: the same text as in the submission from Illumina Laboratory Services, Illumina above.

Illumina Laboratory Services, Illumina
Classification: Benign for Myopathy, myofibrillar, 9, with early respiratory failure. Last evaluated: 2018-01-13. Review status: criteria provided, single submitter. Criteria: ICSL Variant Classification Criteria 13 December 2019. Collection method: clinical testing. Allele origin: germline.
Comment: This variant was observed in the ICSL laboratory as part of a predisposition screen in an ostensibly healthy population. It had not been previously curated by ICSL or reported in the Human Gene Mutation Database (HGMD: prior to June 1st, 2018), and was therefore a candidate for classification through an automated scoring system. Utilizing variant allele frequency, disease prevalence and penetrance estimates, and inheritance mode, an automated score was calculated to assess if this variant is too frequent to cause the disease. Based on the score and internal cut-off values, a variant classified as benign is not then subjected to further curation. The score for this variant resulted in a classification of benign for this disease.

Illumina Laboratory Services, Illumina
Classification: Benign for Tibial muscular dystrophy. Last evaluated: 2018-01-13. Review status: criteria provided, single submitter. Criteria: ICSL Variant Classification Criteria 13 December 2019. Collection method: clinical testing. Allele origin: germline.
Comment: the same text as in the submission from Illumina Laboratory Services, Illumina above.

CHEO Genetics Diagnostic Laboratory, Children's Hospital of Eastern Ontario
Classification: Benign for Cardiomyopathy. Last evaluated: 2017-09-13. Review status: criteria provided, single submitter. Criteria: ACMG Guidelines, 2015. Collection method: clinical testing. Allele origin: germline. Study: Canadian Open Genetics Repository.

Ambry Genetics
Classification: Benign for Cardiovascular phenotype. Last evaluated: 2013-09-18. Review status: criteria provided, single submitter. Criteria: Ambry Autosomal Dominant and X-Linked criteria (10/2015). Collection method: clinical testing. Allele origin: germline. Observed: 1 variant allele.

GeneDx
Classification: Benign. Last evaluated: 2013-04-17. Review status: criteria provided, single submitter. Criteria: GeneDx Variant Classification (06012015). Collection method: clinical testing. Allele origin: germline. Affected: yes.
Comment: This variant is considered likely benign or benign based on one or more of the following criteria: it is a conservative change, it occurs at a poorly conserved position in the protein, it is predicted to be benign by multiple in silico algorithms, and/or has population frequency not consistent with disease.

Laboratory for Molecular Medicine, Mass General Brigham Personalized Medicine
Classification: Benign. Last evaluated: 2012-05-10. Review status: criteria provided, single submitter. Criteria: LMM Criteria. Collection method: clinical testing. Allele origin: germline. Observed: 13 variant alleles.
Comment: Ile11484Ile in exon 179 of TTN: This variant is not expected to have clinical si gnificance because it has been identified in 1.9% (59/3094) of African American chromosomes from a broad population by the NHLBI Exome Sequencing Project (dbSNP rs76815324)

Breakthrough Genomics
Classification: Likely benign. Review status: criteria provided, single submitter. Criteria: ACMG Guidelines, 2015. Collection method: not provided. Allele origin: germline. Inheritance: Autosomal recessive inheritance. Affected: yes.

PreventionGenetics, part of Exact Sciences
Classification: Benign. Review status: criteria provided, single submitter. Criteria: ACMG Guidelines, 2015. Collection method: clinical testing. Allele origin: germline.

Clinical Genetics DNA and cytogenetics Diagnostics Lab, Erasmus MC, Erasmus Medical Center
Classification: Benign. Review status: no assertion criteria provided. Collection method: clinical testing. Allele origin: germline. Affected: yes. Study: VKGL Data-share Consensus. Not counted in ClinVar's aggregate classification.

Clinical Genetics, Academic Medical Center
Classification: Benign. Review status: no assertion criteria provided. Collection method: clinical testing. Allele origin: germline. Affected: yes. Study: VKGL Data-share Consensus. Not counted in ClinVar's aggregate classification.

Joint Genome Diagnostic Labs from Nijmegen and Maastricht, Radboudumc and MUMC+
Classification: Benign. Review status: no assertion criteria provided. Collection method: clinical testing. Allele origin: germline. Affected: yes. Study: VKGL Data-share Consensus. Not counted in ClinVar's aggregate classification.

NM_001267550.2(TTN):c.42156C>T (p.Ile14052=)

Gene: TTN (titin; minus strand). Cytogenetic location: 2q31.2.
Variant type: single nucleotide variant.
Coding change: c.42156C>T on transcript NM_001267550.2 (MANE Select); coding-DNA position 42156, C replaced by T.
Protein change: p.Ile14052=; no amino-acid change (isoleucine 14052 retained).
Molecular consequence: synonymous variant.
Genome position (GRCh38, 1-based): chr2:178,634,625, G>A on the plus strand (C>T on the coding strand, the complement: TTN is on the minus strand). VCF-style: chr2-178634625-G-A. GRCh37 (hg19) VCF-style: chr2-179499352-G-A.
Other names: p.I12411I:ATC>ATT; p.Ile11484=; c.37233C>T, p.Ile12411= (NM_001256850.1); c.14961C>T, p.Ile4987= (NM_003319.4); c.34452C>T, p.Ile11484= (NM_133378.4); c.15336C>T, p.Ile5112= (NM_133432.3); c.15537C>T, p.Ile5179= (NM_133437.4).
Identifiers: ClinVar variation 46953 (VCV000046953.45), dbSNP rs76815324, ClinGen allele CA283214.